The following is an entry in ClinVar:

NM_001130438.3(SPTAN1):c.465A>G (p.Leu155=)

Gene: SPTAN1 (spectrin alpha, non-erythrocytic 1; plus strand). Cytogenetic location: 9q34.11.
Variant type: single nucleotide variant.
Coding change: c.465A>G on transcript NM_001130438.3 (MANE Select); coding-DNA position 465, A replaced by G.
Protein change: p.Leu155=; no amino-acid change (leucine 155 retained).
Molecular consequence: synonymous variant.
Genome position (GRCh38, 1-based): chr9:128,574,776, A>G. VCF-style: chr9-128574776-A-G. GRCh37 (hg19) VCF-style: chr9-131337055-A-G.
Other names: c.465A>G, p.Leu155= (NM_001195532.2, NM_001363759.2, NM_001363765.2 and 5 more transcripts); c.501A>G, p.Leu167= (NM_001375312.2, NM_001375318.1).
Identifiers: ClinVar variation 1308781 (VCV001308781.2), dbSNP rs2130966272, ClinGen allele CA467296261.

ClinVar aggregate classification (germline): Uncertain significance (1 of 4 stars; one submission).

Submission:

GeneDx
Classification: Uncertain significance. Last evaluated: 2019-09-23. Review status: criteria provided, single submitter. Criteria: GeneDx Variant Classification Process June 2021. Collection method: clinical testing. Allele origin: germline. Affected: yes.
Comment: Not observed in large population cohorts (Lek et al., 2016); Has not been previously published as pathogenic or benign to our knowledge; In-silico analysis, which includes splice predictors and evolutionary conservation, is inconclusive as to whether the variant alters gene splicing. In the absence of RNA/functional studies, the actual effect of this sequence change is unknown.